The following is an entry in ClinVar:

NM_014639.4(SKIC3):c.2524A>G (p.Asn842Asp)

Gene: SKIC3 (SKI3 subunit of superkiller complex; minus strand). Cytogenetic location: 5q15.
Variant type: single nucleotide variant.
Coding change: c.2524A>G on transcript NM_014639.4 (MANE Select); coding-DNA position 2524, A replaced by G.
Protein change: p.Asn842Asp; replaces asparagine 842 with aspartic acid.
Molecular consequence: missense variant.
Genome position (GRCh38, 1-based): chr5:95,516,578, T>C on the plus strand (A>G on the coding strand, the complement: SKIC3 is on the minus strand). VCF-style: chr5-95516578-T-C. GRCh37 (hg19) VCF-style: chr5-94852282-T-C.
Other names: short protein forms N842D.
Identifiers: ClinVar variation 1023595 (VCV001023595.8), dbSNP rs1747311552, ClinGen allele CA360457879.
Genomic context (GRCh38, chr5:95,516,578, plus strand): 5'-TACTCACAATTTGTTCTGACTGGATTGATTTGATGAAACAGTGCTGAGCAAGGGCATAAT[T>C]TCCAATACCTGAAAAATACAAAACCTGATGAAACTGAACTTTGTTTGAAATACACAATCT-3'
Protein context (NP_055454.1, residues 832-852): GVVACYSGIG[Asn842Asp]YALAQHCFIK

ClinVar aggregate classification (germline): Uncertain significance (1 of 4 stars; one submission).

Allele frequency attached by ClinVar (database versions not stated): gnomAD exomes 0.00001.
gnomAD v4.1: 5 of 1,613,446 alleles (0.00031%); highest among the groups gnomAD compares: South Asian, 0.0055%; no homozygotes.

Submission:

Labcorp Genetics (formerly Invitae), Labcorp
Classification: Uncertain significance. Last evaluated: 2020-10-19. Review status: criteria provided, single submitter. Criteria: Invitae Variant Classification Sherloc (09022015). Collection method: clinical testing. Allele origin: germline.
Comment: This sequence change replaces asparagine with aspartic acid at codon 842 of the TTC37 protein (p.Asn842Asp). The asparagine residue is highly conserved and there is a small physicochemical difference between asparagine and aspartic acid. In summary, the available evidence is currently insufficient to determine the role of this variant in disease. Therefore, it has been classified as a Variant of Uncertain Significance. Algorithms developed to predict the effect of missense changes on protein structure and function are either unavailable or do not agree on the potential impact of this missense change (SIFT: "Deleterious"; PolyPhen-2: "Probably Damaging"; Align-GVGD: "Class C0"). This variant has not been reported in the literature in individuals with TTC37-related conditions. This variant is not present in population databases (ExAC no frequency).